The following is an entry in ClinVar:

ClinVar aggregate classification (germline): Uncertain significance. Review status: criteria provided, multiple submitters, no conflicts (2 of 4 stars). 2 submissions from 2 submitters: Uncertain significance (2). Last evaluated 2024-11-21.

Conditions:
Pancreatic adenocarcinoma. Identifiers: MedGen C0281361, MONDO:0006047, HP:0006725.

Allele frequency attached by ClinVar (database versions not stated): gnomAD 0.00001 and 0.00002; gnomAD exomes 0.00001; ExAC 0.00002; TOPMed 0.00003.
gnomAD v4.1: 35 of 1,613,752 alleles (0.0022%); highest among the groups gnomAD compares: South Asian, 0.0033%; no homozygotes.

Submissions (2):

Ambry Genetics
Classification: Uncertain significance. Last evaluated: 2024-11-21. Review status: criteria provided, single submitter. Criteria: Ambry Variant Classification Scheme 2023. Collection method: clinical testing. Allele origin: germline.
Comment: The p.R545H variant (also known as c.1634G>A), located in coding exon 9 of the PALLD gene, results from a G to A substitution at nucleotide position 1634. The arginine at codon 545 is replaced by histidine, an amino acid with highly similar properties. This amino acid position is conserved. In addition, the in silico prediction for this alteration is inconclusive. Based on the available evidence, the clinical significance of this variant remains unclear.

Labcorp Genetics (formerly Invitae), Labcorp
Classification: Uncertain significance for Pancreatic adenocarcinoma. Last evaluated: 2024-04-11. Review status: criteria provided, single submitter. Criteria: Invitae Variant Classification Sherloc (09022015). Collection method: clinical testing. Allele origin: germline.
Comment: This sequence change replaces arginine, which is basic and polar, with histidine, which is basic and polar, at codon 545 of the PALLD protein (p.Arg545His). This variant is present in population databases (rs755223646, gnomAD 0.003%). This variant has not been reported in the literature in individuals affected with PALLD-related conditions. ClinVar contains an entry for this variant (Variation ID: 542933). An algorithm developed to predict the effect of missense changes on protein structure and function (PolyPhen-2) suggests that this variant is likely to be disruptive. In summary, the available evidence is currently insufficient to determine the role of this variant in disease. Therefore, it has been classified as a Variant of Uncertain Significance.

NM_001166108.2(PALLD):c.3146G>A (p.Arg1049His)

Genes: CBR4 (carbonyl reductase 4; minus strand), PALLD (palladin, cytoskeletal associated protein; plus strand). Cytogenetic location: 4q32.3.
Variant type: single nucleotide variant.
Coding change: c.3146G>A on transcript NM_001166108.2 (MANE Select); coding-DNA position 3146, G replaced by A.
Protein change: p.Arg1049His; replaces arginine 1049 with histidine.
Molecular consequence: missense variant.
Genome position (GRCh38, 1-based): chr4:168,924,342, G>A. VCF-style: chr4-168924342-G-A. GRCh37 (hg19) VCF-style: chr4-169845493-G-A.
Other names: c.1949G>A, p.Arg650His (NM_001166109.2); c.1634G>A, p.Arg545His (NM_001166110.2); c.974G>A, p.Arg325His (NM_001367567.1, NM_001367569.1); c.1025G>A, p.Arg342His (NM_001367568.1, NM_001367570.1); c.3095G>A, p.Arg1032His (NM_016081.4); short protein forms R1032H, R545H, R325H, R342H, R1049H, R650H.
Identifiers: ClinVar variation 542933 (VCV000542933.9), dbSNP rs755223646, ClinGen allele CA3136050.